The following is an entry in ClinVar:

ClinVar aggregate classification (germline): Pathogenic (1 of 4 stars; one submission).

Submission:

Labcorp Genetics (formerly Invitae), Labcorp
Classification: Pathogenic. Last evaluated: 2020-11-13. Review status: criteria provided, single submitter. Criteria: Invitae Variant Classification Sherloc (09022015). Collection method: clinical testing. Allele origin: germline.
Comment: This variant has not been reported in the literature in individuals with HPS3-related conditions. This variant is a gross deletion of the genomic region encompassing exon(s) 6-8 of the HPS3 gene. This deletion is out-of-frame, and is expected to create a premature translational stop signal and result in an absent or disrupted protein product. Loss-of-function variants in HPS3 are known to be pathogenic (PMID: 11590544). For these reasons, this variant has been classified as Pathogenic.

Literature cited by the submitters: PubMed 11590544.

NC_000003.11:g.(?_148868376)_(148873012_?)del

Gene: HPS3 (HPS3 biogenesis of lysosomal organelles complex 2 subunit 1; plus strand). Cytogenetic location: 3q24.
Variant type: Deletion.
Identifiers: ClinVar variation 1451809 (VCV001451809.6).